The following is an entry in ClinVar:

ClinVar aggregate classification (germline): Benign. Review status: criteria provided, multiple submitters, no conflicts (2 of 4 stars). 3 submissions from 3 submitters: Benign (3). Last evaluated 2023-11-12.

Allele frequency attached by ClinVar (database versions not stated): gnomAD exomes 0.56565; gnomAD 0.59651 and 0.60109; TOPMed 0.60884; 1000 Genomes Project 0.66114; 1000 Genomes Project 30x 0.66615.

Submissions (3):

Unidad de Genómica Garrahan, Hospital de Pediatría Garrahan
Classification: Benign. Last evaluated: 2023-11-12. Review status: criteria provided, single submitter. Criteria: ACMG Guidelines, 2015. Collection method: clinical testing. Allele origin: germline. Affected: no. Observed: 76 variant alleles.
Comment: This variant is classified as Benign based on local population frequency. This variant was detected in 79% of patients studied by a panel of primary immunodeficiencies. Number of patients: 76. Only high quality variants are reported.

GeneDx
Classification: Benign. Last evaluated: 2018-06-14. Review status: criteria provided, single submitter. Criteria: GeneDx Variant Classification (06012015). Collection method: clinical testing. Allele origin: germline. Affected: yes.
Comment: This variant is considered likely benign or benign based on one or more of the following criteria: it is a conservative change, it occurs at a poorly conserved position in the protein, it is predicted to be benign by multiple in silico algorithms, and/or has population frequency not consistent with disease.

Breakthrough Genomics
Classification: Benign. Review status: criteria provided, single submitter. Criteria: ACMG Guidelines, 2015. Collection method: not provided. Allele origin: germline. Inheritance: Autosomal recessive inheritance. Affected: yes.

NM_000243.3(MEFV):c.1356+267C>T

Gene: MEFV (MEFV innate immunity regulator, pyrin; minus strand). Cytogenetic location: 16p13.3.
Variant type: single nucleotide variant.
Coding change: c.1356+267C>T on transcript NM_000243.3 (MANE Select); 267 bases into the intron after coding-DNA position 1356, C replaced by T.
Molecular consequence: intron variant.
Genome position (GRCh38, 1-based): chr16:3,248,642, G>A on the plus strand (C>T on the coding strand, the complement: MEFV is on the minus strand). VCF-style: chr16-3248642-G-A. GRCh37 (hg19) VCF-style: chr16-3298642-G-A.
Other names: c.723+267C>T (NM_001198536.2).
Identifiers: ClinVar variation 667831 (VCV000667831.4), dbSNP rs224211, ClinGen allele CA14275418.
Genomic context (GRCh38, chr16:3,248,642, plus strand): 5'-TCCGTCACAAAAAAAGAAAGTGGCGTTCTCCTCCCTTTTCCTCAATCCCATCTTTCTGCA[G>A]TAGTCACCGGCATAGGTTGCTCTCTACCATCTTCTGGTGAGTATGAGAAAGCATGACAGG-3'